The following is an entry in ClinVar:

ClinVar aggregate classification (germline): Likely benign. Review status: criteria provided, multiple submitters, no conflicts (2 of 4 stars). 3 submissions from 3 submitters: Likely benign (2). 1 of the submissions does not count toward it. Last evaluated 2016-08-10.

Conditions:
PTRH2-related disorder. Also called: PTRH2-related condition.

Allele frequency attached by ClinVar (database versions not stated): gnomAD exomes 0.00021; ExAC 0.00022; gnomAD 0.00051 and 0.00056; 1000 Genomes Project 30x 0.00062; TOPMed 0.00069; 1000 Genomes Project 0.00080; ESP Exome Variant Server 0.00085.
gnomAD v4.1: 263 of 1,613,936 alleles (0.016%); highest among the groups gnomAD compares: African/African-American, 0.21%; 1 homozygote.

Submissions (3):

GeneDx
Classification: Likely benign. Last evaluated: 2016-08-10. Review status: criteria provided, single submitter. Criteria: GeneDx Variant Classification (06012015). Collection method: clinical testing. Allele origin: germline. Affected: yes.
Comment: This variant is considered likely benign or benign based on one or more of the following criteria: it is a conservative change, it occurs at a poorly conserved position in the protein, it is predicted to be benign by multiple in silico algorithms, and/or has population frequency not consistent with disease.

Breakthrough Genomics
Classification: Likely benign. Review status: criteria provided, single submitter. Criteria: ACMG Guidelines, 2015. Collection method: not provided. Allele origin: germline. Inheritance: Autosomal recessive inheritance. Affected: yes.

PreventionGenetics, part of Exact Sciences
Classification: Likely benign for PTRH2-related condition. Last evaluated: 2019-02-21. Review status: no assertion criteria provided. Collection method: clinical testing. Allele origin: germline. Not counted in ClinVar's aggregate classification.
Comment: This variant is classified as likely benign based on ACMG/AMP sequence variant interpretation guidelines (Richards et al. 2015 PMID: 25741868, with internal and published modifications).

NM_016077.5(PTRH2):c.51C>T (p.Leu17=)

Gene: PTRH2 (peptidyl-tRNA hydrolase 2; minus strand). Cytogenetic location: 17q23.1.
Variant type: single nucleotide variant.
Coding change: c.51C>T on transcript NM_016077.5 (MANE Select); coding-DNA position 51, C replaced by T.
Protein change: p.Leu17=; no amino-acid change (leucine 17 retained).
Molecular consequence: synonymous variant.
Genome position (GRCh38, 1-based): chr17:59,697,928, G>A on the plus strand (C>T on the coding strand, the complement: PTRH2 is on the minus strand). VCF-style: chr17-59697928-G-A. GRCh37 (hg19) VCF-style: chr17-57775289-G-A.
Other names: c.54C>T, p.Leu18= (NM_001015509.3).
Identifiers: ClinVar variation 388253 (VCV000388253.4), dbSNP rs147437736, ClinGen allele CA8681959.